The following is an entry in ClinVar:

ClinVar aggregate classification (germline): Uncertain significance (1 of 4 stars; one submission).

Submission:

Labcorp Genetics (formerly Invitae), Labcorp
Classification: Uncertain significance. Last evaluated: 2022-11-24. Review status: criteria provided, single submitter. Criteria: Invitae Variant Classification Sherloc (09022015). Collection method: clinical testing. Allele origin: germline.
Comment: This sequence change replaces alanine, which is neutral and non-polar, with glutamic acid, which is acidic and polar, at codon 300 of the PRPF4 protein (p.Ala300Glu). This variant is not present in population databases (gnomAD no frequency). In summary, the available evidence is currently insufficient to determine the role of this variant in disease. Therefore, it has been classified as a Variant of Uncertain Significance. Algorithms developed to predict the effect of missense changes on protein structure and function are either unavailable or do not agree on the potential impact of this missense change (SIFT: "Deleterious"; PolyPhen-2: "Possibly Damaging"; Align-GVGD: "Class C0"). This variant has not been reported in the literature in individuals affected with PRPF4-related conditions.

NM_001244926.2(PRPF4):c.896C>A (p.Ala299Glu)

Gene: PRPF4 (pre-mRNA splicing tri-snRNP complex factor PRPF4; plus strand). Cytogenetic location: 9q32.
Variant type: single nucleotide variant.
Coding change: c.896C>A on transcript NM_001244926.2 (MANE Select); coding-DNA position 896, C replaced by A.
Protein change: p.Ala299Glu; replaces alanine 299 with glutamic acid.
Molecular consequence: missense variant. On other transcripts: non-coding transcript variant (2).
Genome position (GRCh38, 1-based): chr9:113,286,792, C>A. VCF-style: chr9-113286792-C-A. GRCh37 (hg19) VCF-style: chr9-116049072-C-A.
Other names: c.170C>A, p.Ala57Glu (NM_001322266.2, NM_001322267.2); c.899C>A, p.Ala300Glu (NM_004697.5); short protein forms A300E, A57E, A299E.
Identifiers: ClinVar variation 2816222 (VCV002816222.3), dbSNP rs575911571, ClinGen allele CA374554166.